The following is an entry in ClinVar:

ClinVar aggregate classification (germline): Uncertain significance (1 of 4 stars; one submission).

Conditions:
Imerslund-Grasbeck syndrome. Also called: Imerslund-Gräsbeck syndrome; Megaloblastic anemia due to inborn errors of metabolism; ENTEROCYTE COBALAMIN MALABSORPTION; ENTEROCYTE INTRINSIC FACTOR RECEPTOR, DEFECT OF; PERNICIOUS ANEMIA, JUVENILE, DUE TO SELECTIVE INTESTINAL MALABSORPTION OF VITAMIN B12, WITH PROTEINURIA. Identifiers: Orphanet 35858, MedGen C4551825, MONDO:0009853.

Submission:

Labcorp Genetics (formerly Invitae), Labcorp
Classification: Uncertain significance for Imerslund-Grasbeck syndrome. Last evaluated: 2018-01-13. Review status: criteria provided, single submitter. Criteria: Invitae Variant Classification Sherloc (09022015). Collection method: clinical testing. Allele origin: germline.
Comment: This variant is not present in population databases (ExAC no frequency). In summary, the available evidence is currently insufficient to determine the role of this variant in disease. Therefore, it has been classified as a Variant of Uncertain Significance. Algorithms developed to predict the effect of missense changes on protein structure and function (SIFT, PolyPhen-2, Align-GVGD) all suggest that this variant is likely to be disruptive, but these predictions have not been confirmed by published functional studies and their clinical significance is uncertain. This variant has not been reported in the literature in individuals with CUBN-related disease. This sequence change replaces serine with asparagine at codon 1936 of the CUBN protein (p.Ser1936Asn). The serine residue is highly conserved and there is a small physicochemical difference between serine and asparagine.

NM_001081.4(CUBN):c.5806_5807delinsAA (p.Ser1936Asn)

Gene: CUBN (cubilin; minus strand). Cytogenetic location: 10p13.
Variant type: Indel.
Coding change: c.5806_5807delinsAA on transcript NM_001081.4 (MANE Select); coding-DNA positions 5806 to 5807, TC replaced by AA.
Protein change: p.Ser1936Asn; replaces serine 1936 with asparagine.
Molecular consequence: missense variant.
Genome position (GRCh38, 1-based): chr10:16,937,711-16,937,712, GA replaced by TT on the plus strand (TC replaced by AA on the coding strand, the reverse complement: CUBN is on the minus strand). VCF-style: chr10-16937711-GA-TT. GRCh37 (hg19) VCF-style: chr10-16979710-GA-TT.
Other names: c.5806_5807delTCinsAA (NM_001081.3); short protein forms S1936N.
Identifiers: ClinVar variation 532206 (VCV000532206.7), dbSNP rs1554796668, ClinGen allele CA658797401.
Genomic context (GRCh38, chr10:16,937,711, plus strand): 5'-AATCCCTTCCCTGAGATTGAAGAGTCGGAGTAAAAATGAAATGTCAAAGAATTTCCAGTG[GA>TT]GCTGAAAGATTCAGTCTGGGTACCACAGTAAGCTCCAATTAGGCGGGCGTGAATGCTAGG-3'
Protein context (NP_001072.2, residues 1926-1946): YCGTQTESFS[Ser1936Asn]TGNSLTFHFY